The following is an entry in ClinVar:

ClinVar aggregate classification (germline): Uncertain significance. Review status: criteria provided, multiple submitters, no conflicts (2 of 4 stars). 2 submissions from 2 submitters: Uncertain significance (2). Last evaluated 2026-03-23.

Conditions:
Inborn genetic diseases. Identifiers: MedGen C0950123, MeSH D030342.

Allele frequency attached by ClinVar (database versions not stated): TOPMed 0.00001; gnomAD 0.00002.
gnomAD v4.1: 3 of 1,613,422 alleles (0.00019%); highest among the groups gnomAD compares: African/African-American, 0.004%; no homozygotes.

Submissions (2):

Ambry Genetics
Classification: Uncertain significance for Inborn genetic diseases. Last evaluated: 2026-03-23. Review status: criteria provided, single submitter. Criteria: Ambry Variant Classification Scheme 2023. Collection method: clinical testing. Allele origin: germline.

Labcorp Genetics (formerly Invitae), Labcorp
Classification: Uncertain significance. Last evaluated: 2022-08-06. Review status: criteria provided, single submitter. Criteria: Invitae Variant Classification Sherloc (09022015). Collection method: clinical testing. Allele origin: germline.
Comment: This variant is not present in population databases (gnomAD no frequency). This sequence change replaces aspartic acid, which is acidic and polar, with alanine, which is neutral and non-polar, at codon 520 of the IMPDH1 protein (p.Asp520Ala). This variant has not been reported in the literature in individuals affected with IMPDH1-related conditions. In summary, the available evidence is currently insufficient to determine the role of this variant in disease. Therefore, it has been classified as a Variant of Uncertain Significance. Algorithms developed to predict the effect of missense changes on protein structure and function are either unavailable or do not agree on the potential impact of this missense change (SIFT: "Deleterious"; PolyPhen-2: "Possibly Damaging"; Align-GVGD: "Class C0").

NM_000883.4(IMPDH1):c.1559A>C (p.Asp520Ala)

Gene: IMPDH1 (inosine monophosphate dehydrogenase 1; minus strand). Cytogenetic location: 7q32.1.
Variant type: single nucleotide variant.
Coding change: c.1559A>C on transcript NM_000883.4 (MANE Select); coding-DNA position 1559, A replaced by C.
Protein change: p.Asp520Ala; replaces aspartic acid 520 with alanine.
Molecular consequence: missense variant.
Genome position (GRCh38, 1-based): chr7:128,394,591, T>G on the plus strand (A>C on the coding strand, the complement: IMPDH1 is on the minus strand). VCF-style: chr7-128394591-T-G. GRCh37 (hg19) VCF-style: chr7-128034645-T-G.
Other names: c.1559A>C (NM_000883.3); c.1229A>C, p.Asp410Ala (NM_001142575.2); c.1460A>C, p.Asp487Ala (NM_001142576.2); c.1352A>C, p.Asp451Ala (NM_001304521.2); c.1451A>C, p.Asp484Ala (NM_183243.3); c.1529A>C, p.Asp510Ala (NM_001102605.2); c.1304A>C, p.Asp435Ala (NM_001142573.2); c.1289A>C, p.Asp430Ala (NM_001142574.2); short protein forms D451A, D510A, D520A, D430A, D435A, D487A, D410A, D484A.
Identifiers: ClinVar variation 1928330 (VCV001928330.6), dbSNP rs899480714, ClinGen allele CA166121771.
Genomic context (GRCh38, chr7:128,394,591, plus strand): 5'-TTCTGAATGGATCCTTTGTCCTGGATGGAGCCCGAGACACCCTGCGCGATCTTCACTTTA[T>G]CCCCCTCGCTGCGTGGAGGGTGGAAGACTGAGCCCAGCAGCTTGAAGCTCAGAGGACCCC-3'
Protein context (NP_000874.2, residues 510-530): SSQKRYFSEG[Asp520Ala]KVKIAQGVSG